The following is an entry in ClinVar:

NM_030578.4(B9D2):c.220C>T (p.Pro74Ser)

Gene: B9D2 (B9 domain containing 2; minus strand). Cytogenetic location: 19q13.2.
Variant type: single nucleotide variant.
Coding change: c.220C>T on transcript NM_030578.4 (MANE Select); coding-DNA position 220, C replaced by T.
Protein change: p.Pro74Ser; replaces proline 74 with serine.
Molecular consequence: missense variant.
Genome position (GRCh38, 1-based): chr19:41,355,008, G>A on the plus strand (C>T on the coding strand, the complement: B9D2 is on the minus strand). VCF-style: chr19-41355008-G-A. GRCh37 (hg19) VCF-style: chr19-41860913-G-A.
Other names: B9D2, PRO74SER; short protein forms P74S.
Identifiers: ClinVar variation 217558 (VCV000217558.5), dbSNP rs863225150, ClinGen allele CA279487.

ClinVar aggregate classification (germline): Pathogenic/Likely pathogenic. Review status: criteria provided, multiple submitters, no conflicts (2 of 4 stars). 4 submissions from 4 submitters: Pathogenic (1); Likely pathogenic (2). 1 of the submissions does not count toward it. Last evaluated 2025-12-30.

Conditions:
Joubert syndrome 34. Identifiers: MedGen C4539386, MONDO:0800383.
B9D2-related disorder. Also called: B9D2-related condition.
Joubert syndrome and related disorders. Identifiers: Orphanet 140874, MedGen C5679612, MONDO:0015369.
Joubert syndrome. Also called: Familial aplasia of the vermis; JOUBERT-BOLTSHAUSER SYNDROME. Identifiers: Orphanet 475, MedGen C5979921, MONDO:0018772.

Allele frequency attached by ClinVar (database versions not stated): TOPMed below 0.00001.

Submissions (4):

PreventionGenetics, part of Exact Sciences
Classification: Likely pathogenic for B9D2-related condition. Last evaluated: 2025-12-30. Review status: criteria provided, single submitter. Criteria: ACMG Guidelines, 2015. Collection method: clinical testing. Allele origin: germline.
Comment: The B9D2 c.220C>T variant is predicted to result in the amino acid substitution p.Pro74Ser. This variant has been reported in the compound heterozygous state in an individual with Joubert syndrome (Table S5, Bachmann-Gagescu et al. 2015. PubMed ID: 26092869). A functional study utilizing a C. elegans model system demonstrated that the p.Pro74Ser variant moderately altered the protein at the cellular level and impacted protein localization and function when present in the compound heterozygous and homozygous states (Lange et al. 2021. PubMed ID: 33234550). This variant has not been reported in a large population database (gnomAD), indicating this variant is rare. This variant is interpreted as likely pathogenic.

Women's Health and Genetics/Laboratory Corporation of America, LabCorp
Classification: Likely pathogenic for Joubert syndrome and related disorders. Last evaluated: 2025-06-19. Review status: criteria provided, single submitter. Criteria: LabCorp Variant Classification Summary - May 2015. Collection method: clinical testing. Allele origin: germline.
Comment: Variant summary: B9D2 c.220C>T (p.Pro74Ser) results in a non-conservative amino acid change in the encoded protein sequence. Algorithms developed to predict the effect of missense changes on protein structure and function all suggest that this variant is likely to be disruptive. The variant was absent in 214072 control chromosomes. c.220C>T has been reported in the literature in a compound heterozygous individual affected with Joubert Syndrome, who carried the variant c.463G>A (p.Gly155Ser) in trans (Bachmann-Gagescu_2015). A recent publication reported experimental evidence characterizing both variants alone and together in a C. elegans model system, and demonstrated that the cellular level, localization and function were moderately (P74S) or severely (G155S) altered, confirming that both variant alleles are pathogenic in worms, and compound heterozygous worms phenocopy worms homozygous for P74S (Lange_2021). The following publications have been ascertained in the context of this evaluation (PMID: 26092869, 33234550, 28771248, 31411728). ClinVar contains an entry for this variant (Variation ID: 217558). Based on the evidence outlined above, the variant was classified as likely pathogenic.

UW Hindbrain Malformation Research Program, University of Washington
Classification: Pathogenic for Joubert syndrome. Last evaluated: 2015-02-23. Review status: criteria provided, single submitter. Criteria: Bachmann-Gagescu et al. (J Med Genet. 2015). Collection method: research. Allele origin: unknown. Affected: yes.

OMIM
Classification: Pathogenic for JOUBERT SYNDROME 34. Last evaluated: 2015-08-01. Review status: no assertion criteria provided. Collection method: literature only. Allele origin: germline. Not counted in ClinVar's aggregate classification.

Literature cited by the submitters: PubMed 26092869 (cited by Women's Health and Genetics/Laboratory Corporation of America, LabCorp and OMIM); PubMed 28771248 (cited by Women's Health and Genetics/Laboratory Corporation of America, LabCorp); PubMed 33234550 (cited by Women's Health and Genetics/Laboratory Corporation of America, LabCorp); PubMed 31411728 (cited by Women's Health and Genetics/Laboratory Corporation of America, LabCorp).